The following is an entry in ClinVar:

ClinVar aggregate classification (germline): Uncertain significance. Review status: criteria provided, multiple submitters, no conflicts (2 of 4 stars). 3 submissions from 3 submitters: Uncertain significance (3). Last evaluated 2026-03-12.

Conditions:
Hereditary cancer-predisposing syndrome. Also called: Tumor predisposition; Hereditary neoplastic syndrome; Hereditary Cancer Syndrome; Neoplastic Syndromes, Hereditary. Identifiers: Orphanet 140162, MedGen C0027672, MeSH D009386, MONDO:0015356.
Familial adenomatous polyposis 1 (FAP1). Also called: FAMILIAL ADENOMATOUS POLYPOSIS 1, ATTENUATED; POLYPOSIS, ADENOMATOUS INTESTINAL. Identifiers: MedGen C2713442, MONDO:0021056, OMIM 175100. Disease mechanism: loss of function.

Allele frequency attached by ClinVar (database versions not stated): TOPMed below 0.00001.

Submissions (3):

Ambry Genetics
Classification: Uncertain significance for Hereditary cancer-predisposing syndrome. Last evaluated: 2026-03-12. Review status: criteria provided, single submitter. Criteria: Ambry Variant Classification Scheme 2023. Collection method: clinical testing. Allele origin: germline.
Comment: The p.P1960A variant (also known as c.5878C>G), located in coding exon 15 of the APC gene, results from a C to G substitution at nucleotide position 5878. The proline at codon 1960 is replaced by alanine, an amino acid with highly similar properties. This amino acid position is conserved. In addition, in silico predictors for this gene do not accurately predict pathogenicity. Based on the available evidence, the clinical significance of this variant remains unclear.

Color Diagnostics, LLC DBA Color Health
Classification: Uncertain significance for Hereditary cancer-predisposing syndrome. Last evaluated: 2025-08-30. Review status: criteria provided, single submitter. Criteria: ACMG Guidelines, 2015. Collection method: clinical testing. Allele origin: germline.
Comment: This missense variant replaces proline with alanine at codon 1960 of the APC protein. Computational prediction suggests that this variant may have deleterious impact on protein structure and function. To our knowledge, functional studies have not been reported for this variant. This variant has not been reported in individuals affected with APC-related disorders in the literature. This variant has not been identified in the general population by the Genome Aggregation Database (gnomAD). The available evidence is insufficient to determine the role of this variant in disease conclusively. Therefore, this variant is classified as a Variant of Uncertain Significance.

Labcorp Genetics (formerly Invitae), Labcorp
Classification: Uncertain significance for Familial adenomatous polyposis 1. Last evaluated: 2019-07-10. Review status: criteria provided, single submitter. Criteria: Invitae Variant Classification Sherloc (09022015). Collection method: clinical testing. Allele origin: germline.
Comment: In summary, the available evidence is currently insufficient to determine the role of this variant in disease. Therefore, it has been classified as a Variant of Uncertain Significance. Algorithms developed to predict the effect of missense changes on protein structure and function are either unavailable or do not agree on the potential impact of this missense change (SIFT: "Tolerated"; PolyPhen-2: "Probably Damaging"; Align-GVGD: "Class C0"). This sequence change replaces proline with alanine at codon 1960 of the APC protein (p.Pro1960Ala). The proline residue is highly conserved and there is a small physicochemical difference between proline and alanine. This variant is not present in population databases (ExAC no frequency). This variant has not been reported in the literature in individuals with APC-related conditions.

NM_000038.6(APC):c.5878C>G (p.Pro1960Ala)

Gene: APC (APC regulator of Wnt signaling pathway; plus strand). Cytogenetic location: 5q22.2.
Variant type: single nucleotide variant.
Coding change: c.5878C>G on transcript NM_000038.6 (MANE Select); coding-DNA position 5878, C replaced by G.
Protein change: p.Pro1960Ala; replaces proline 1960 with alanine.
Molecular consequence: missense variant.
Genome position (GRCh38, 1-based): chr5:112,841,472, C>G. VCF-style: chr5-112841472-C-G. GRCh37 (hg19) VCF-style: chr5-112177169-C-G.
Other names: c.5878C>G, p.Pro1960Ala (NM_001127510.3, NM_001354895.2); c.5824C>G, p.Pro1942Ala (NM_001127511.3); c.5932C>G, p.Pro1978Ala (NM_001354896.2); c.5908C>G, p.Pro1970Ala (NM_001354897.2); c.5803C>G, p.Pro1935Ala (NM_001354898.2); c.5794C>G, p.Pro1932Ala (NM_001354899.2); c.5755C>G, p.Pro1919Ala (NM_001354900.2); c.5701C>G, p.Pro1901Ala (NM_001354901.2); and 5 more; short protein forms P1677A, P1800A, P1834A, P1869A, P1935A, P1960A, P1932A, P1942A.
Identifiers: ClinVar variation 949589 (VCV000949589.12), dbSNP rs538199237, ClinGen allele CA16034193.